The following is an entry in ClinVar:

NM_002529.4(NTRK1):c.92C>T (p.Ala31Val)

Gene: NTRK1 (neurotrophic receptor tyrosine kinase 1; plus strand). Cytogenetic location: 1q23.1.
Variant type: single nucleotide variant.
Coding change: c.92C>T on transcript NM_002529.4 (MANE Select); coding-DNA position 92, C replaced by T.
Protein change: p.Ala31Val; replaces alanine 31 with valine.
Molecular consequence: missense variant. On other transcripts: intron variant (1).
Genome position (GRCh38, 1-based): chr1:156,861,026, C>T. VCF-style: chr1-156861026-C-T. GRCh37 (hg19) VCF-style: chr1-156830818-C-T.
Other names: c.92C>T, p.Ala31Val (NM_001012331.2); c.123-3328C>T (NM_001007792.1); short protein forms A31V.
Identifiers: ClinVar variation 1313367 (VCV001313367.2), dbSNP rs756222046, ClinGen allele CA342929440.

ClinVar aggregate classification (germline): Uncertain significance (1 of 4 stars; one submission).

Submission:

GeneDx
Classification: Uncertain significance. Last evaluated: 2020-10-20. Review status: criteria provided, single submitter. Criteria: GeneDx Variant Classification Process June 2021. Collection method: clinical testing. Allele origin: germline. Affected: yes.
Comment: In silico analysis supports that this missense variant does not alter protein structure/function; Has not been previously published as pathogenic or benign to our knowledge